The following is an entry in ClinVar:

ClinVar aggregate classification (germline): Uncertain significance (1 of 4 stars; one submission).

Conditions:
SEMA3A-related disorder. Also called: SEMA3A-related condition.

Submission:

PreventionGenetics, part of Exact Sciences
Classification: Uncertain significance for SEMA3A-related condition. Last evaluated: 2025-06-25. Review status: criteria provided, single submitter. Criteria: ACMG Guidelines, 2015. Collection method: clinical testing. Allele origin: germline.
Comment: The SEMA3A c.776A>G variant is predicted to result in the amino acid substitution p.Lys259Arg. To our knowledge, this variant has not been reported in the literature or in gnomAD, indicating this variant is rare. At this time, the clinical significance of this variant is uncertain due to the absence of conclusive functional and genetic evidence.

NM_006080.3(SEMA3A):c.776A>G (p.Lys259Arg)

Gene: SEMA3A (semaphorin 3A; minus strand). Cytogenetic location: 7q21.11.
Variant type: single nucleotide variant.
Coding change: c.776A>G on transcript NM_006080.3 (MANE Select); coding-DNA position 776, A replaced by G.
Protein change: p.Lys259Arg; replaces lysine 259 with arginine.
Molecular consequence: missense variant.
Genome position (GRCh38, 1-based): chr7:84,014,243, T>C on the plus strand (A>G on the coding strand, the complement: SEMA3A is on the minus strand). VCF-style: chr7-84014243-T-C. GRCh37 (hg19) VCF-style: chr7-83643559-T-C.
Other names: short protein forms K259R.
Identifiers: ClinVar variation 4982978 (VCV004982978.1).
Genomic context (GRCh38, chr7:84,014,243, plus strand): 5'-TCTCAGTTTTTTTTTCTTTACCTCACCTTGCATATCTGACCTATTCTAGCGTGAGTAGCT[T>C]TTCCAGAGTGTTCTCCATCTATTGCATTTTCACGGAAGAAAAAGTATACTTTGTCATCTT-3'
Protein context (NP_006071.1, residues 249-269): ENAIDGEHSG[Lys259Arg]ATHARIGQIC